The following is an entry in ClinVar:

ClinVar aggregate classification (germline): Uncertain significance (1 of 4 stars; one submission).

Submission:

Labcorp Genetics (formerly Invitae), Labcorp
Classification: Uncertain significance. Last evaluated: 2022-06-05. Review status: criteria provided, single submitter. Criteria: Invitae Variant Classification Sherloc (09022015). Collection method: clinical testing. Allele origin: germline.
Comment: This sequence change falls in intron 9 of the TULP1 gene. It does not directly change the encoded amino acid sequence of the TULP1 protein. It affects a nucleotide within the consensus splice site. This variant is not present in population databases (gnomAD no frequency). This variant has not been reported in the literature in individuals affected with TULP1-related conditions. ClinVar contains an entry for this variant (Variation ID: 1406874). Variants that disrupt the consensus splice site are a relatively common cause of aberrant splicing (PMID: 17576681, 9536098). Algorithms developed to predict the effect of sequence changes on RNA splicing suggest that this variant may disrupt the consensus splice site. In summary, the available evidence is currently insufficient to determine the role of this variant in disease. Therefore, it has been classified as a Variant of Uncertain Significance.

Literature cited by the submitters: PubMed 17576681; PubMed 9536098.

NM_003322.6(TULP1):c.828+6T>C

Gene: TULP1 (TUB like protein 1; minus strand). Cytogenetic location: 6p21.31.
Variant type: single nucleotide variant.
Coding change: c.828+6T>C on transcript NM_003322.6 (MANE Select); 6 bases into the intron after coding-DNA position 828, T replaced by C.
Molecular consequence: intron variant.
Genome position (GRCh38, 1-based): chr6:35,506,268, A>G on the plus strand (T>C on the coding strand, the complement: TULP1 is on the minus strand). VCF-style: chr6-35506268-A-G. GRCh37 (hg19) VCF-style: chr6-35474045-A-G.
Other names: c.669+6T>C (NM_001289395.2).
Identifiers: ClinVar variation 1406874 (VCV001406874.6), dbSNP rs2150925627, ClinGen allele CA2573140321.